The following is an entry in ClinVar:

NM_003322.6(TULP1):c.1073A>G (p.Asn358Ser)

Gene: TULP1 (TUB like protein 1; minus strand). Cytogenetic location: 6p21.31.
Variant type: single nucleotide variant.
Coding change: c.1073A>G on transcript NM_003322.6 (MANE Select); coding-DNA position 1073, A replaced by G.
Protein change: p.Asn358Ser; replaces asparagine 358 with serine.
Molecular consequence: missense variant.
Genome position (GRCh38, 1-based): chr6:35,505,780, T>C on the plus strand (A>G on the coding strand, the complement: TULP1 is on the minus strand). VCF-style: chr6-35505780-T-C. GRCh37 (hg19) VCF-style: chr6-35473557-T-C.
Other names: c.914A>G, p.Asn305Ser (NM_001289395.2); short protein forms N305S, N358S.
Identifiers: ClinVar variation 1055506 (VCV001055506.7), dbSNP rs1486462553, ClinGen allele CA363779692.

ClinVar aggregate classification (germline): Uncertain significance (1 of 4 stars; one submission).

gnomAD v4.1: 16 of 1,613,796 alleles (0.00099%); highest among the groups gnomAD compares: African/African-American, 0.0013%; no homozygotes.

Submission:

Labcorp Genetics (formerly Invitae), Labcorp
Classification: Uncertain significance. Last evaluated: 2022-08-09. Review status: criteria provided, single submitter. Criteria: Invitae Variant Classification Sherloc (09022015). Collection method: clinical testing. Allele origin: germline.
Comment: This sequence change replaces asparagine, which is neutral and polar, with serine, which is neutral and polar, at codon 358 of the TULP1 protein (p.Asn358Ser). This variant is not present in population databases (gnomAD no frequency). This variant has not been reported in the literature in individuals affected with TULP1-related conditions. ClinVar contains an entry for this variant (Variation ID: 1055506). Algorithms developed to predict the effect of missense changes on protein structure and function are either unavailable or do not agree on the potential impact of this missense change (SIFT: "Not Available"; PolyPhen-2: "Possibly Damaging"; Align-GVGD: "Not Available"). Algorithms developed to predict the effect of sequence changes on RNA splicing suggest that this variant may create or strengthen a splice site. In summary, the available evidence is currently insufficient to determine the role of this variant in disease. Therefore, it has been classified as a Variant of Uncertain Significance.